The following is an entry in ClinVar:

NM_000787.4(DBH):c.*278T>C

Gene: DBH (dopamine beta-hydroxylase; plus strand). Cytogenetic location: 9q34.2.
Variant type: single nucleotide variant.
Coding change: c.*278T>C on transcript NM_000787.4 (MANE Select); 278 bases downstream of the stop codon, T replaced by C.
Molecular consequence: 3 prime UTR variant.
Genome position (GRCh38, 1-based): chr9:133,658,725, T>C. VCF-style: chr9-133658725-T-C. GRCh37 (hg19) VCF-style: chr9-136523847-T-C.
Identifiers: ClinVar variation 365682 (VCV000365682.6), dbSNP rs129914, ClinGen allele CA10633097.

ClinVar aggregate classification (germline): Benign. Review status: criteria provided, multiple submitters, no conflicts (2 of 4 stars). 2 submissions from 2 submitters: Benign (2). Last evaluated 2018-01-13.

Conditions:
Orthostatic hypotension 1 (ORTHYP1). Also called: Dopamine beta-hydroxylase deficiency; Orthostatic hypotension 1, due to DBH deficiency; NORADRENALINE DEFICIENCY; NOREPINEPHRINE DEFICIENCY. Identifiers: Orphanet 230, MedGen C4746777, MONDO:0009123, OMIM 223360.

Allele frequency attached by ClinVar (database versions not stated): gnomAD exomes 0.03363; gnomAD 0.03550 and 0.04108; TOPMed 0.03833; 1000 Genomes Project 30x 0.08385; 1000 Genomes Project 0.08546.
gnomAD v4.1: 11,250 of 299,128 alleles (3.8%); highest among the groups gnomAD compares: South Asian, 15%; 415 homozygotes.

Submissions (2):

Illumina Laboratory Services, Illumina
Classification: Benign for Orthostatic hypotension 1. Last evaluated: 2018-01-13. Review status: criteria provided, single submitter. Criteria: ICSL Variant Classification Criteria 13 December 2019. Collection method: clinical testing. Allele origin: germline.
Comment: This variant was observed in the ICSL laboratory as part of a predisposition screen in an ostensibly healthy population. It had not been previously curated by ICSL or reported in the Human Gene Mutation Database (HGMD: prior to June 1st, 2018), and was therefore a candidate for classification through an automated scoring system. Utilizing variant allele frequency, disease prevalence and penetrance estimates, and inheritance mode, an automated score was calculated to assess if this variant is too frequent to cause the disease. Based on the score and internal cut-off values, a variant classified as benign is not then subjected to further curation. The score for this variant resulted in a classification of benign for this disease.

Breakthrough Genomics
Classification: Benign. Review status: criteria provided, single submitter. Criteria: ACMG Guidelines, 2015. Collection method: not provided. Allele origin: germline. Inheritance: Autosomal recessive inheritance. Affected: yes.